The following is an entry in ClinVar:

ClinVar aggregate classification (germline): Uncertain significance (1 of 4 stars; one submission).

Conditions:
Ataxia-telangiectasia syndrome (AT). Also called: Ataxia-telangiectasia, complementation group D; AT, COMPLEMENTATION GROUP C; ATAXIA-TELANGIECTASIA, COMPLEMENTATION GROUP A; ATAXIA-TELANGIECTASIA, FRESNO VARIANT; Ataxia telangiectasia (A-T); Ataxia-telangiectasia. Identifiers: Orphanet 100, MedGen C0004135, MONDO:0008840, OMIM 208900.

Submission:

Labcorp Genetics (formerly Invitae), Labcorp
Classification: Uncertain significance for Ataxia-telangiectasia syndrome. Last evaluated: 2022-02-13. Review status: criteria provided, single submitter. Criteria: Invitae Variant Classification Sherloc (09022015). Collection method: clinical testing. Allele origin: germline.
Comment: In summary, the available evidence is currently insufficient to determine the role of this variant in disease. Therefore, it has been classified as a Variant of Uncertain Significance. Algorithms developed to predict the effect of sequence changes on RNA splicing suggest that this variant may create or strengthen a splice site. Algorithms developed to predict the effect of missense changes on protein structure and function are either unavailable or do not agree on the potential impact of this missense change (SIFT: "Not Available"; PolyPhen-2: "Benign"; Align-GVGD: "Not Available"). This variant has not been reported in the literature in individuals affected with ATM-related conditions. Information on the frequency of this variant in the gnomAD database is not available, as this variant may be reported differently in the database. This sequence change replaces aspartic acid, which is acidic and polar, with serine, which is neutral and polar, at codon 1853 of the ATM protein (p.Asp1853Ser).

NM_000051.4(ATM):c.5557_5558delinsAG (p.Asp1853Ser)

Gene: ATM (ATM serine/threonine kinase; plus strand). Cytogenetic location: 11q22.3.
Variant type: Indel.
Coding change: c.5557_5558delinsAG on transcript NM_000051.4 (MANE Select); coding-DNA positions 5557 to 5558, GA replaced by AG.
Protein change: p.Asp1853Ser; replaces aspartic acid 1853 with serine.
Molecular consequence: missense variant.
Genome position (GRCh38, 1-based): chr11:108,304,735-108,304,736, GA replaced by AG. VCF-style: chr11-108304735-GA-AG. GRCh37 (hg19) VCF-style: chr11-108175462-GA-AG.
Other names: c.5557_5558delinsAG, p.Asp1853Ser (NM_001351834.2); short protein forms D1853S.
Identifiers: ClinVar variation 2097444 (VCV002097444.4), dbSNP rs1555107380, ClinGen allele CA2580083387.